The following is an entry in ClinVar:

ClinVar aggregate classification (germline): Pathogenic (1 of 4 stars; one submission).

Conditions:
2-aminoadipic 2-oxoadipic aciduria (AAKAD). Also called: ALPHA-AMINOADIPIC AND ALPHA-KETOADIPIC ACIDURIA; Aminoadipic aciduria. Identifiers: Orphanet 79154, MedGen C1859817, MONDO:0008774, OMIM 204750.

Submission:

Labcorp Genetics (formerly Invitae), Labcorp
Classification: Pathogenic for 2-aminoadipic 2-oxoadipic aciduria. Last evaluated: 2024-06-03. Review status: criteria provided, single submitter. Criteria: Invitae Variant Classification Sherloc (09022015). Collection method: clinical testing. Allele origin: germline.
Comment: This sequence change creates a premature translational stop signal (p.Lys818Asnfs*18) in the DHTKD1 gene. It is expected to result in an absent or disrupted protein product. Loss-of-function variants in DHTKD1 are known to be pathogenic (PMID: 23141293, 25860818). This variant is not present in population databases (gnomAD no frequency). This variant has not been reported in the literature in individuals affected with DHTKD1-related conditions. For these reasons, this variant has been classified as Pathogenic.

Literature cited by the submitters: PubMed 23141293; PubMed 25860818.

NM_018706.7(DHTKD1):c.2454del (p.Lys818fs)

Gene: DHTKD1 (dehydrogenase E1 and transketolase domain containing 1; plus strand). Cytogenetic location: 10p14.
Variant type: Deletion.
Coding change: c.2454del on transcript NM_018706.7 (MANE Select); coding-DNA position 2454, one base deleted (A; older notation c.2454delA).
Protein change: p.Lys818fs; shifts the reading frame from lysine 818.
Molecular consequence: frameshift variant.
Genome position (GRCh38, 1-based): chr10:12,118,800, A deleted; the last of 3 consecutive A bases (chr10:12,118,798-12,118,800); deleting any one gives the same sequence. VCF-style (leftmost placement, unchanged base first): chr10-12118797-GA-G. GRCh37 (hg19) VCF-style: chr10-12160796-GA-G.
Other names: short protein forms K818fs.
Identifiers: ClinVar variation 3655363 (VCV003655363.2).